The following is an entry in ClinVar:

NM_014363.6(SACS):c.1081A>G (p.Lys361Glu)

Gene: SACS (sacsin molecular chaperone; minus strand). Cytogenetic location: 13q12.12.
Variant type: single nucleotide variant.
Coding change: c.1081A>G on transcript NM_014363.6 (MANE Select); coding-DNA position 1081, A replaced by G.
Protein change: p.Lys361Glu; replaces lysine 361 with glutamic acid.
Molecular consequence: missense variant.
Genome position (GRCh38, 1-based): chr13:23,355,531, T>C on the plus strand (A>G on the coding strand, the complement: SACS is on the minus strand). VCF-style: chr13-23355531-T-C. GRCh37 (hg19) VCF-style: chr13-23929670-T-C.
Other names: p.Lys361Glu; c.640A>G, p.Lys214Glu (NM_001278055.2); short protein forms K361E, K214E.
Identifiers: ClinVar variation 311567 (VCV000311567.23), dbSNP rs377027736, ClinGen allele CA6911975.
Genomic context (GRCh38, chr13:23,355,531, plus strand): 5'-CTTCTAAAACAATATTTACGTGATATGTTACACAGGTGATGTTATTGCTTGGAGTCTTTT[T>C]ACAATAGTTACTTATAGCAGTTCCCAGAATCTTTATAGAATTCGGCCGCTCATGTTTCAG-3'
Protein context (NP_055178.3, residues 351-371): ILGTAISNYC[Lys361Glu]KTPSNNITCV

ClinVar aggregate classification (germline): Conflicting classifications of pathogenicity. Review status: criteria provided, conflicting classifications (1 of 4 stars). 8 submissions from 8 submitters: Uncertain significance (4); Likely benign (4). Last evaluated 2026-07-01.

Conditions:
Spastic paraplegia. Identifiers: MedGen C0037772, HP:0001258.
Charlevoix-Saguenay spastic ataxia (SACS). Also called: SPASTIC ATAXIA 6, AUTOSOMAL RECESSIVE; AUTOSOMAL RECESSIVE SPASTIC ATAXIA OF CHARLEVOIX-SAGUENAY; Spastic ataxia of Charlevoix-Saguenay. Identifiers: Orphanet 98, MedGen C1849140, MONDO:0010041, OMIM 270550.

Allele frequency attached by ClinVar (database versions not stated): ESP Exome Variant Server 0.00008; TOPMed 0.00008; gnomAD 0.00012; gnomAD exomes 0.00012 and 0.00018; ExAC 0.00016.
gnomAD v4.1: 198 of 1,614,056 alleles (0.012%); highest among the groups gnomAD compares: Non-Finnish European, 0.011%; no homozygotes.

Submissions (8):

CeGaT Center for Human Genetics Tuebingen
Classification: Likely benign. Last evaluated: 2026-07-01. Review status: criteria provided, single submitter. Criteria: CeGaT Center For Human Genetics Tuebingen Variant Classification Criteria Version 2. Collection method: clinical testing. Allele origin: germline. Affected: yes. Observed: 1 variant allele.
Comment: SACS: BP4

Women's Health and Genetics/Laboratory Corporation of America, LabCorp
Classification: Uncertain significance. Last evaluated: 2026-05-05. Review status: criteria provided, single submitter. Criteria: LabCorp Variant Classification Summary - May 2015. Collection method: clinical testing. Allele origin: germline.
Comment: Variant summary: SACS c.1081A>G (p.Lys361Glu) results in a conservative amino acid change in the encoded protein sequence. Algorithms developed to predict the effect of missense changes on protein structure and function are either unavailable or do not agree on the potential impact of this missense change. The variant allele was found at a frequency of 0.00018 in 251386 control chromosomes. This frequency is not significantly higher than estimated for disease-causing variants in SACS, allowing no conclusion about variant significance. To our knowledge, no occurrence of c.1081A>G in individuals affected with SACS-related conditions and no experimental evidence demonstrating its impact on protein function have been reported. ClinVar contains an entry for this variant (Variation ID: 311567). Based on the evidence outlined above, the variant was classified as uncertain significance.

Labcorp Genetics (formerly Invitae), Labcorp
Classification: Likely benign for Spastic paraplegia. Last evaluated: 2026-01-19. Review status: criteria provided, single submitter. Criteria: Invitae Variant Classification Sherloc (09022015). Collection method: clinical testing. Allele origin: germline.

Mayo Clinic Laboratories, Mayo Clinic
Classification: Uncertain significance. Last evaluated: 2025-03-27. Review status: criteria provided, single submitter. Criteria: ACMG Guidelines, 2015. Collection method: clinical testing. Allele origin: germline. Observed: 1 variant allele.
Comment: BP4_moderate

Blueprint Genetics
Classification: Uncertain significance. Last evaluated: 2024-11-13. Review status: criteria provided, single submitter. Criteria: ACMG Guidelines, 2015. Collection method: clinical testing. Allele origin: germline.

Athena Diagnostics
Classification: Likely benign. Last evaluated: 2024-09-12. Review status: criteria provided, single submitter. Criteria: Athena Diagnostics Criteria. Collection method: clinical testing. Allele origin: unknown.

Genome-Nilou Lab
Classification: Likely benign for Charlevoix-Saguenay spastic ataxia. Last evaluated: 2021-09-05. Review status: criteria provided, single submitter. Criteria: ACMG Guidelines, 2015. Collection method: clinical testing. Allele origin: germline. Affected: no.

Illumina Laboratory Services, Illumina
Classification: Uncertain significance for Charlevoix-Saguenay spastic ataxia. Last evaluated: 2018-01-12. Review status: criteria provided, single submitter. Criteria: ICSL Variant Classification Criteria 13 December 2019. Collection method: clinical testing. Allele origin: germline.

Literature cited by the submitters: PubMed 29970176 (cited by Athena Diagnostics); PubMed 37926714 (cited by Athena Diagnostics).